The following is an entry in ClinVar:

NM_003848.4(SUCLG2):c.50C>T (p.Ala17Val)

Gene: SUCLG2 (succinate-CoA ligase GDP-forming subunit beta; minus strand). Cytogenetic location: 3p14.1.
Variant type: single nucleotide variant.
Coding change: c.50C>T on transcript NM_003848.4 (MANE Select); coding-DNA position 50, C replaced by T.
Protein change: p.Ala17Val; replaces alanine 17 with valine.
Molecular consequence: missense variant.
Genome position (GRCh38, 1-based): chr3:67,654,537, G>A on the plus strand (C>T on the coding strand, the complement: SUCLG2 is on the minus strand). VCF-style: chr3-67654537-G-A. GRCh37 (hg19) VCF-style: chr3-67704961-G-A.
Other names: c.50C>T, p.Ala17Val (NM_001177599.2); short protein forms A17V.
Identifiers: ClinVar variation 4737589 (VCV004737589.1).

ClinVar aggregate classification (germline): Uncertain significance (1 of 4 stars; one submission).

gnomAD v4.1: 9 of 1,261,736 alleles (0.00071%); highest among the groups gnomAD compares: Middle Eastern, 0.058%; no homozygotes.

Submission:

Labcorp Genetics (formerly Invitae), Labcorp
Classification: Uncertain significance. Last evaluated: 2025-02-19. Review status: criteria provided, single submitter. Criteria: Invitae Variant Classification Sherloc (09022015). Collection method: clinical testing. Allele origin: germline.
Comment: This sequence change replaces alanine, which is neutral and non-polar, with valine, which is neutral and non-polar, at codon 17 of the SUCLG2 protein (p.Ala17Val). This variant is not present in population databases (gnomAD no frequency). This variant has not been reported in the literature in individuals affected with SUCLG2-related conditions. An algorithm developed to predict the effect of missense changes on protein structure and function outputs the following: PolyPhen-2: "Benign". The valine amino acid residue is found in multiple mammalian species, which suggests that this missense change does not adversely affect protein function. In summary, the available evidence is currently insufficient to determine the role of this variant in disease. Therefore, it has been classified as a Variant of Uncertain Significance.